The following is an entry in ClinVar:

NM_000719.7(CACNA1C):c.3912+8C>T

Gene: CACNA1C (calcium voltage-gated channel subunit alpha1 C; plus strand). Cytogenetic location: 12p13.33.
Variant type: single nucleotide variant.
Coding change: c.3912+8C>T on transcript NM_000719.7 (MANE Select); 8 bases into the intron after coding-DNA position 3912, C replaced by T.
Molecular consequence: intron variant.
Genome position (GRCh38, 1-based): chr12:2,634,388, C>T. VCF-style: chr12-2634388-C-T. GRCh37 (hg19) VCF-style: chr12-2743554-C-T.
Other names: c.3912+676C>T (NM_001167624.3, NM_001167623.2, NM_001129833.2 and 2 more transcripts); c.3912+8C>T (NM_001167625.2, NM_001129840.2, NM_001129829.2 and 7 more transcripts); c.4056+8C>T (NM_199460.4, NM_001129827.2); c.3972+8C>T (NM_001129832.2); c.3996+8C>T (NM_001129831.2, NM_001129836.2); c.3906+14C>T (NM_001129839.2); c.3903+676C>T (NM_001129844.2).
Identifiers: ClinVar variation 4985332 (VCV004985332.1).

ClinVar aggregate classification (germline): Likely benign (1 of 4 stars; one submission).

Conditions:
CACNA1C-related disorder. Also called: CACNA1C-related condition; CACNA1C-related disorders. Identifiers: MedGen CN381092, MONDO:0700321.

gnomAD v4.1: 2 of 1,525,320 alleles (0.00013%); highest among the groups gnomAD compares: African/African-American, 0.0014%; no homozygotes.

Submission:

PreventionGenetics, part of Exact Sciences
Classification: Likely benign for CACNA1C-related condition. Last evaluated: 2026-09-25. Review status: criteria provided, single submitter. Criteria: ACMG Guidelines, 2015. Collection method: clinical testing. Allele origin: germline.
Comment: This variant is classified as likely benign based on ACMG/AMP sequence variant interpretation guidelines (Richards et al. 2015 PMID: 25741868, with internal and published modifications).